The following is an entry in ClinVar:

NM_021930.6(RINT1):c.1749G>C (p.Gln583His)

Gene: RINT1 (RAD50 interactor 1; plus strand). Cytogenetic location: 7q22.3.
Variant type: single nucleotide variant.
Coding change: c.1749G>C on transcript NM_021930.6 (MANE Select); coding-DNA position 1749, G replaced by C.
Protein change: p.Gln583His; replaces glutamine 583 with histidine.
Molecular consequence: missense variant. On other transcripts: non-coding transcript variant (1).
Genome position (GRCh38, 1-based): chr7:105,563,810, G>C. VCF-style: chr7-105563810-G-C. GRCh37 (hg19) VCF-style: chr7-105204257-G-C.
Other names: c.1515G>C, p.Gln505His (NM_001346599.2); c.726G>C, p.Gln242His (NM_001346600.2, NM_001346603.2); c.825G>C, p.Gln275His (NM_001346601.2); short protein forms Q275H, Q583H, Q505H, Q242H.
Identifiers: ClinVar variation 1364034 (VCV001364034.11), dbSNP rs1305742565, ClinGen allele CA368813745.

ClinVar aggregate classification (germline): Uncertain significance. Review status: criteria provided, multiple submitters, no conflicts (2 of 4 stars). 2 submissions from 2 submitters: Uncertain significance (2). Last evaluated 2024-07-02.

Allele frequency attached by ClinVar (database versions not stated): gnomAD exomes below 0.00001; TOPMed below 0.00001; gnomAD 0.00001.
gnomAD v4.1: 2 of 1,613,884 alleles (0.00012%); highest among the groups gnomAD compares: Admixed American, 0.0017%; no homozygotes.

Submissions (2):

Ambry Genetics
Classification: Uncertain significance. Last evaluated: 2024-07-02. Review status: criteria provided, single submitter. Criteria: Ambry Variant Classification Scheme 2023. Collection method: clinical testing. Allele origin: germline.
Comment: The p.Q583H variant (also known as c.1749G>C), located in coding exon 12 of the RINT1 gene, results from a G to C substitution at nucleotide position 1749. The glutamine at codon 583 is replaced by histidine, an amino acid with highly similar properties. This amino acid position is conserved. In addition, this alteration is predicted to be tolerated by in silico analysis. Since supporting evidence is limited at this time, the clinical significance of this alteration remains unclear.

Labcorp Genetics (formerly Invitae), Labcorp
Classification: Uncertain significance. Last evaluated: 2021-08-20. Review status: criteria provided, single submitter. Criteria: Invitae Variant Classification Sherloc (09022015). Collection method: clinical testing. Allele origin: germline.
Comment: This sequence change replaces glutamine with histidine at codon 583 of the RINT1 protein (p.Gln583His). The glutamine residue is highly conserved and there is a small physicochemical difference between glutamine and histidine. This variant is not present in population databases (ExAC no frequency). This variant has not been reported in the literature in individuals with RINT1-related conditions. Algorithms developed to predict the effect of missense changes on protein structure and function are either unavailable or do not agree on the potential impact of this missense change (SIFT: "Tolerated"; PolyPhen-2: "Possibly Damaging"; Align-GVGD: "Class C0"). In summary, the available evidence is currently insufficient to determine the role of this variant in disease. Therefore, it has been classified as a Variant of Uncertain Significance.